The following is an entry in ClinVar:

NM_001613.4(ACTA2):c.138G>T (p.Met46Ile)

Gene: ACTA2 (actin alpha 2, smooth muscle; minus strand). Cytogenetic location: 10q23.31.
Variant type: single nucleotide variant.
Coding change: c.138G>T on transcript NM_001613.4 (MANE Select); coding-DNA position 138, G replaced by T.
Protein change: p.Met46Ile; replaces methionine 46 with isoleucine.
Molecular consequence: missense variant.
Genome position (GRCh38, 1-based): chr10:88,947,378, C>A on the plus strand (G>T on the coding strand, the complement: ACTA2 is on the minus strand). VCF-style: chr10-88947378-C-A. GRCh37 (hg19) VCF-style: chr10-90707135-C-A.
Other names: c.138G>T, p.Met46Ile (NM_001141945.3, NM_001320855.2, NM_001406462.1 and 4 more transcripts); short protein forms M46I.
Identifiers: ClinVar variation 664017 (VCV000664017.40), dbSNP rs878854466, ClinGen allele CA377513548.

ClinVar aggregate classification (germline): Pathogenic/Likely pathogenic. Review status: criteria provided, multiple submitters, no conflicts (2 of 4 stars). 2 submissions from 2 submitters: Pathogenic (1); Likely pathogenic (1). Last evaluated 2025-12-17.

Conditions:
Aortic aneurysm, familial thoracic 6 (AAT6). Also called: FAMILIAL THORACIC AORTIC ANEURYSM WITH LIVEDO RETICULARIS AND IRIS FLOCCULI. Identifiers: MedGen C2673186, MONDO:0012730, OMIM 611788.

Submissions (2):

Labcorp Genetics (formerly Invitae), Labcorp
Classification: Pathogenic for Aortic aneurysm, familial thoracic 6. Last evaluated: 2025-12-17. Review status: criteria provided, single submitter. Criteria: Invitae Variant Classification Sherloc (09022015). Collection method: clinical testing. Allele origin: germline.
Comment: This sequence change replaces methionine, which is neutral and non-polar, with isoleucine, which is neutral and non-polar, at codon 46 of the ACTA2 protein (p.Met46Ile). This variant is not present in population databases (gnomAD no frequency). This missense change has been observed in individuals with clinical features of thoracic aortic aneurysms and dissections (internal data). ClinVar contains an entry for this variant (Variation ID: 664017). Invitae Evidence Modeling of protein sequence and biophysical properties (such as structural, functional, and spatial information, amino acid conservation, physicochemical variation, residue mobility, and thermodynamic stability) indicates that this missense variant is expected to disrupt ACTA2 protein function with a positive predictive value of 95%. This variant disrupts the p.Met46 amino acid residue in ACTA2. Other variant(s) that disrupt this residue have been observed in individuals with ACTA2-related conditions (PMID: 30975232; internal data), which suggests that this may be a clinically significant amino acid residue. For these reasons, this variant has been classified as Pathogenic.

CeGaT Center for Human Genetics Tuebingen
Classification: Likely pathogenic. Last evaluated: 2020-06-01. Review status: criteria provided, single submitter. Criteria: CeGaT Center For Human Genetics Tuebingen Variant Classification Criteria Version 2. Collection method: clinical testing. Allele origin: germline. Affected: yes. Observed: 1 variant allele.

Literature cited by the submitters: PubMed 30975232 (cited by Labcorp Genetics (formerly Invitae), Labcorp).